The following is an entry in ClinVar:

NM_181523.3(PIK3R1):c.346C>T (p.Pro116Ser)

Gene: PIK3R1 (phosphoinositide-3-kinase regulatory subunit 1; plus strand). Cytogenetic location: 5q13.1.
Variant type: single nucleotide variant.
Coding change: c.346C>T on transcript NM_181523.3 (MANE Select); coding-DNA position 346, C replaced by T.
Protein change: p.Pro116Ser; replaces proline 116 with serine.
Molecular consequence: missense variant.
Genome position (GRCh38, 1-based): chr5:68,273,401, C>T. VCF-style: chr5-68273401-C-T. GRCh37 (hg19) VCF-style: chr5-67569229-C-T.
Other names: p.Pro116Ser; short protein forms P116S.
Identifiers: ClinVar variation 4541048 (VCV004541048.1).

ClinVar aggregate classification (germline): Uncertain significance (1 of 4 stars; one submission).

gnomAD v4.1: 4 of 1,614,002 alleles (0.00025%); highest among the groups gnomAD compares: East Asian, 0.0089%; no homozygotes.

Submission:

Mayo Clinic Laboratories, Mayo Clinic
Classification: Uncertain significance. Last evaluated: 2025-01-10. Review status: criteria provided, single submitter. Criteria: ACMG Guidelines, 2015. Collection method: clinical testing. Allele origin: germline. Observed: 1 variant allele.
Comment: BP4, PM2_supporting